The following is an entry in ClinVar:

NM_001927.4(DES):c.1048C>T (p.Arg350Trp)

Gene: DES (desmin; plus strand). Cytogenetic location: 2q35.
Variant type: single nucleotide variant.
Coding change: c.1048C>T on transcript NM_001927.4 (MANE Select); coding-DNA position 1048, C replaced by T.
Protein change: p.Arg350Trp; replaces arginine 350 with tryptophan.
Molecular consequence: missense variant.
Genome position (GRCh38, 1-based): chr2:219,421,364, C>T. VCF-style: chr2-219421364-C-T. GRCh37 (hg19) VCF-style: chr2-220286086-C-T.
Other names: short protein forms R350W.
Identifiers: ClinVar variation 44244 (VCV000044244.30), dbSNP rs62636492, ClinGen allele CA133808.

ClinVar aggregate classification (germline): Conflicting classifications of pathogenicity. Review status: criteria provided, conflicting classifications (1 of 4 stars). 13 submissions from 13 submitters: Pathogenic (1); Likely pathogenic (4); Uncertain significance (5). 3 of the submissions do not count toward it. Last evaluated 2026-07-06.

Conditions:
Cardiovascular phenotype. Identifiers: MedGen CN230736.
Desmin-related myofibrillar myopathy (MFM1). Also called: Desminopathy; Desmin related myopathy (former name); Desmin storage myopathy (former name); MYOFIBRILLAR MYOPATHY WITH ARRHYTHMOGENIC RIGHT VENTRICULAR CARDIOMYOPATHY; DESMIN-RELATED MYOPATHY WITH ARRHYTHMOGENIC RIGHT VENTRICULAR CARDIOMYOPATHY; Myofibrillar myopathy 1. Identifiers: Orphanet 363543, Orphanet 98909, MedGen C1832370, MONDO:0011076, OMIM 601419.
Primary familial dilated cardiomyopathy (FDC). Also called: Hypokinetic dilated cardiomyopathy, familial; Familial dilated cardiomyopathy. Identifiers: Orphanet 217607, MedGen C0340427, MONDO:0016333.
DES-related disorder. Also called: DES-related condition.
Cardiomyopathy (CMYO). Also called: Cardiomyopathies. Identifiers: Orphanet 167848, MedGen C0878544, MONDO:0004994, HP:0001638. Inheritance: Various modes of inheritance.
Dilated cardiomyopathy 1I (CMD1I). Identifiers: Orphanet 154, MedGen C1858154, MONDO:0011482, OMIM 604765.
Primary dilated cardiomyopathy (DCM). Also called: Dilated Cardiomyopathy. Identifiers: Orphanet 217604, MedGen C0007193, MeSH D002311, MONDO:0005021, HP:0001644. Inheritance: Various modes of inheritance.

Allele frequency attached by ClinVar (database versions not stated): ExAC 0.00002; TOPMed 0.00001; gnomAD exomes 0.00002; ESP Exome Variant Server 0.00008.
gnomAD v4.1: 29 of 1,613,960 alleles (0.0018%); highest among the groups gnomAD compares: African/African-American, 0.0027%; no homozygotes.

Submissions 1 to 5 of 13:

Ambry Genetics
Classification: Likely pathogenic for Cardiovascular phenotype. Last evaluated: 2026-07-06. Review status: criteria provided, single submitter. Criteria: Ambry Variant Classification Scheme 2023. Collection method: clinical testing. Allele origin: germline.
Comment: The c.1048C>T (p.R350W) alteration is located in exon 6 (coding exon 6) of the DES gene. This alteration results from a C to T substitution at nucleotide position 1048, causing the arginine (R) at amino acid position 350 to be replaced by a tryptophan (W). for autosomal dominant cardiomyopathy and/or myofibrillar myopathy; however, its clinical significance for autosomal recessive myofibrillar myopathy is uncertain. Based on data from gnomAD, the T allele has an overall frequency of 0.002% (6/251398) total alleles studied. The highest observed frequency was 0.006% (1/16246) of African alleles. This variant was reported in individuals with features consistent with dilated cardiomyopathy, hypertrophic cardiomyopathy, non-compaction cardiomyopathy, or myofibrillar myopathy (Taylor, 2007; Tobita, 2018; Hoss, 2020; Mazzarotto, 2020; Mazzarotto, 2021; Wang, 2024; external communication; Ambry internal data). This amino acid position is highly conserved in available vertebrate species. In vitro studies suggested this variant may alter protein function; however, the physiologic relevance of the observed findings is unclear (Taylor, 2007). This alteration is predicted to be deleterious by in silico analysis. Based on the available evidence, this alteration is classified as likely pathogenic.

GeneDx
Classification: Uncertain significance. Last evaluated: 2026-01-08. Review status: criteria provided, single submitter. Criteria: GeneDx Variant Classification Process June 2021. Collection method: clinical testing. Allele origin: germline. Affected: yes.
Comment: Published functional studies suggest that desmin protein harboring p.(R350W) results in disruption of desmin filament assembly (PMID: 17325244); In silico analysis supports that this missense variant has a deleterious effect on protein structure/function; This variant is associated with the following publications: (PMID: 17439987, 27896284, 29247119, 23299917, 17325244, 20474083, 20448486, 15800015, 22337857, 29926427, 31514951, 33500567, 31983221, 32150461, 29386531, WangQ2024[Article], 26807690, 40275589, 28416588, 36396199, 40970488, 37652022, 36788754)

Labcorp Genetics (formerly Invitae), Labcorp
Classification: Pathogenic for Desmin-related myofibrillar myopathy. Last evaluated: 2025-11-18. Review status: criteria provided, single submitter. Criteria: Invitae Variant Classification Sherloc (09022015). Collection method: clinical testing. Allele origin: germline.
Comment: This sequence change replaces arginine, which is basic and polar, with tryptophan, which is neutral and slightly polar, at codon 350 of the DES protein (p.Arg350Trp). This variant is present in population databases (rs62636492, gnomAD 0.007%). This missense change has been observed in individuals with autosomal dominant dilated cardiomyopathy (PMID: 17325244, 29247119, 29386531; internal data). ClinVar contains an entry for this variant (Variation ID: 44244). Invitae Evidence Modeling of protein sequence and biophysical properties (such as structural, functional, and spatial information, amino acid conservation, physicochemical variation, residue mobility, and thermodynamic stability) indicates that this missense variant is expected to disrupt DES protein function with a positive predictive value of 95%. Experimental studies have shown that this missense change affects DES function (PMID: 17325244). This variant disrupts the p.Arg350 amino acid residue in DES. Other variant(s) that disrupt this residue have been determined to be pathogenic (PMID: 15800015, 17439987, 20448486, 25394388, 27393313). This suggests that this residue is clinically significant, and that variants that disrupt this residue are likely to be disease-causing. For these reasons, this variant has been classified as Pathogenic.

Women's Health and Genetics/Laboratory Corporation of America, LabCorp
Classification: Likely pathogenic for Primary familial dilated cardiomyopathy. Last evaluated: 2025-11-13. Review status: criteria provided, single submitter. Criteria: LabCorp Variant Classification Summary - May 2015. Collection method: clinical testing. Allele origin: germline.
Comment: Variant summary: DES c.1048C>T (p.Arg350Trp) results in a non-conservative amino acid change in the encoded protein sequence. Algorithms developed to predict the effect of missense changes on protein structure and function all suggest that this variant is likely to be disruptive. The variant allele was found at a frequency of 2.4e-05 in 251398 control chromosomes. c.1048C>T has been observed in individuals affected with Dilated Cardiomyopathy (e.g. Taylor_2007, Lin_2017, Tobita_2018, Gigli_2019, internal data) and in the heterozygous state in an individual with clinical features of Myofibrillar Myopathy, but it was inherited paternally without a positive family history of the disorder (Wang_2024). At least one publication reports experimental evidence evaluating an impact on protein function and found the variant caused severe disruption of desmin filament assembly, even in the presence of the WT protein (Taylor_2007). The following publications have been ascertained in the context of this evaluation (PMID: 31514951, 29247119, 36396199, 17325244, 29386531, 39973468). ClinVar contains an entry for this variant (Variation ID: 44244). Based on the evidence outlined above, the variant was classified as likely pathogenic.

Victorian Clinical Genetics Services, Murdoch Childrens Research Institute
Classification: Likely pathogenic for Dilated cardiomyopathy 1I. Last evaluated: 2024-10-10. Review status: criteria provided, single submitter. Criteria: ACMG Guidelines, 2015. Collection method: clinical testing. Allele origin: germline. Inheritance: Autosomal dominant inheritance. Affected: yes.
Comment: Based on the classification scheme VCGS_Germline_v1.3.5, this variant is classified as Likely pathogenic. Following criteria are met: 0103 - Dominant negative and loss of function are known mechanisms of disease in this gene and are associated with dilated cardiomyopathy 1I (MIM#604765), myofibrillar myopathy 1 (MIM#601419) and Kaeser type neurogenic scapuloperoneal syndrome (MIM#181400) (PMIDs: 29926427, 33373648). (I) 0108 - This gene is associated with both recessive and dominant disease. The majority of disease-associated DES variants exhibit autosomal dominant inheritance, with rare cases of biallelic truncating and missense variants reported for myopathy (PMID: 29926427). (I) 0200 - Variant is predicted to result in a missense amino acid change from arginine to tryptophan. (I) 0251 - This variant is heterozygous. (I) 0304 - Variant is present in gnomAD <0.01 (v4: 29 heterozygotes, 0 homozygotes). (SP) 0309 - Multiple alternative amino acid changes at the same position have been observed in gnomAD (v4) (highest allele count: 65 heterozygotes, 0 homozygotes). (I) 0501 - Missense variant consistently predicted to be damaging by multiple in silico tools or highly conserved with a major amino acid change. (SP) 0600 - Variant is located in the annotated filament domain (DECIPHER). (I) 0708 - Other missense variants comparable to the one identified in this case have conflicting previous evidence for pathogenicity. Multiple alternative changes, p.(Arg350Pro), p.(Arg350Gln) and p.(Arg350Leu), have been reported. p.(Arg350Pro) has been classified as pathogenic by multiple clinical laboratories, and p.(Arg350Gln) and p.(Arg350Leu) have been classified as VUS by clinical laboratories (ClinVar). (I) 0808 - Previous reports of pathogenicity for this variant are conflicting. This variant has been classified as VUS, likely pathogenic and pathogenic by clinical laboratories in ClinVar. It has also been reported as pathogenic and as VUS in multiple individuals within the literature from cohorts with dilated cardiomyopathy or sudden unexplained death (PMIDs: 17325244, 29247119, 28416588, 29386531, 31983221). (I) 1002 - This variant has moderate functional evidence supporting abnormal protein function. In vitro studies showed severe disruption of the normal desmin filament assembly with clumping and aggregation of cytoplasmic protein (PMID: 17325244). (SP) 1208 - Inheritance information for this variant is not currently available in this individual. (I) Legend: (SP) - Supporting pathogenic, (I) - Information, (SB) - Supporting benign